The following is an entry in ClinVar:

NM_003128.3(SPTBN1):c.4448C>T (p.Ala1483Val)

Gene: SPTBN1 (spectrin beta, non-erythrocytic 1; plus strand). Cytogenetic location: 2p16.2.
Variant type: single nucleotide variant.
Coding change: c.4448C>T on transcript NM_003128.3 (MANE Select); coding-DNA position 4448, C replaced by T.
Protein change: p.Ala1483Val; replaces alanine 1483 with valine.
Molecular consequence: missense variant.
Genome position (GRCh38, 1-based): chr2:54,645,407, C>T. VCF-style: chr2-54645407-C-T. GRCh37 (hg19) VCF-style: chr2-54872544-C-T.
Other names: c.4409C>T, p.Ala1470Val (NM_178313.3); short protein forms A1470V, A1483V.
Identifiers: ClinVar variation 5009002 (VCV005009002.1).

ClinVar aggregate classification (germline): Uncertain significance (1 of 4 stars; one submission).

Submission:

GeneDx
Classification: Uncertain significance. Last evaluated: 2026-03-11. Review status: criteria provided, single submitter. Criteria: GeneDx Variant Classification Process June 2021. Collection method: clinical testing. Allele origin: germline.
Comment: Not observed at significant frequency in large population cohorts (gnomAD); In silico analysis suggests that this missense variant does not alter protein structure/function; Has not been previously published as pathogenic or benign to our knowledge